The following is an entry in ClinVar:

NM_017547.4(FOXRED1):c.184G>T (p.Glu62Ter)

Gene: FOXRED1 (FAD dependent oxidoreductase domain containing 1; plus strand). Cytogenetic location: 11q24.2.
Variant type: single nucleotide variant.
Coding change: c.184G>T on transcript NM_017547.4 (MANE Select); coding-DNA position 184, G replaced by T.
Protein change: p.Glu62Ter; replaces glutamic acid 62 with a stop codon.
Molecular consequence: nonsense. On other transcripts: non-coding transcript variant (1).
Genome position (GRCh38, 1-based): chr11:126,271,535, G>T. VCF-style: chr11-126271535-G-T. GRCh37 (hg19) VCF-style: chr11-126141430-G-T.
Other names: c.184G>T, p.Glu62Ter (NM_001425164.1, NM_001425165.1, NM_001425166.1 and 4 more transcripts); c.-347G>T (NM_001425169.1); c.-327G>T (NM_001425170.1); c.-374G>T (NM_001425171.1); c.-355G>T (NM_001425174.1, NM_001425175.1); short protein forms E62*.
Identifiers: ClinVar variation 2781249 (VCV002781249.3), dbSNP rs756464859, ClinGen allele CA383229086.
Genomic context (GRCh38, chr11:126,271,535, plus strand): 5'-AAGTCGATCCTGCCTGGAAGGTCCTGTGATCTACTGCAAGACACCAGCCACCTGCCTCCC[G>T]AGCACTCGGATGTGGTGATCGTGGGAGGTGGGGTGCTTGGCTTGTCTGTGGCCTATTGGC-3'

ClinVar aggregate classification (germline): Pathogenic (1 of 4 stars; one submission).

Submission:

Labcorp Genetics (formerly Invitae), Labcorp
Classification: Pathogenic. Last evaluated: 2023-07-15. Review status: criteria provided, single submitter. Criteria: Invitae Variant Classification Sherloc (09022015). Collection method: clinical testing. Allele origin: germline.
Comment: For these reasons, this variant has been classified as Pathogenic. Algorithms developed to predict the effect of sequence changes on RNA splicing suggest that this variant may disrupt the consensus splice site. This variant has not been reported in the literature in individuals affected with FOXRED1-related conditions. This variant is not present in population databases (gnomAD no frequency). This sequence change creates a premature translational stop signal (p.Glu62*) in the FOXRED1 gene. It is expected to result in an absent or disrupted protein product. Loss-of-function variants in FOXRED1 are known to be pathogenic (PMID: 20818383, 20858599).

Literature cited by the submitters: PubMed 20818383; PubMed 20858599.